The following is an entry in ClinVar:

NM_001385012.1(NBEA):c.4217C>T (p.Ala1406Val)

Gene: NBEA (neurobeachin; plus strand). Cytogenetic location: 13q13.3.
Variant type: single nucleotide variant.
Coding change: c.4217C>T on transcript NM_001385012.1 (MANE Select); coding-DNA position 4217, C replaced by T.
Protein change: p.Ala1406Val; replaces alanine 1406 with valine.
Molecular consequence: missense variant.
Genome position (GRCh38, 1-based): chr13:35,164,493, C>T. VCF-style: chr13-35164493-C-T. GRCh37 (hg19) VCF-style: chr13-35738630-C-T.
Other names: c.4217C>T, p.Ala1406Val (NM_001379245.1, NM_015678.5); short protein forms A1406V.
Identifiers: ClinVar variation 5005245 (VCV005005245.2).
Genomic context (GRCh38, chr13:35,164,493, plus strand): 5'-TTTCCCAAATGGTAGACAACATCATCATTGCTTGTGGAGGAATTTTACCTTTGCTCTCTG[C>T]TGCTACATCACCAACTGTAAGTACTTTGCCTCCATCTAGTGGTTATATTTTATAAATACA-3'
Protein context (NP_001371941.1, residues 1396-1416): ACGGILPLLS[Ala1406Val]ATSPTGSKTE

ClinVar aggregate classification (germline): Uncertain significance (1 of 4 stars; one submission).

Conditions:
Neurodevelopmental disorder with or without early-onset generalized epilepsy. Identifiers: MedGen C5436914, MONDO:0030930, OMIM 619157.

Submission:

Juno Genomics, Hangzhou Juno Genomics, Inc
Classification: Uncertain significance for Neurodevelopmental disorder with or without early-onset generalized epilepsy. Review status: criteria provided, single submitter. Criteria: ACMG Guidelines, 2015. Collection method: clinical testing. Allele origin: germline.
Comment: Absent from controls (or at extremely low frequency if recessive) in Genome Aggregation Database.;Missense variant in a gene that has a low rate of benign missense variation.